The following is an entry in ClinVar:

ClinVar aggregate classification (germline): Likely pathogenic (1 of 4 stars; one submission).

gnomAD v4.1: 1 of 1,613,546 alleles (0.000062%); highest among the groups gnomAD compares: Non-Finnish European, 0.000085%; no homozygotes.

Submission:

GeneDx
Classification: Likely pathogenic. Last evaluated: 2014-03-05. Review status: criteria provided, single submitter. Criteria: GeneDx Variant Classification (06012015). Collection method: clinical testing. Allele origin: germline. Affected: yes.
Comment: p.Asn350Ile (AAC>ATC): c.1049 A>T in exon 8 of the KCNQ2 gene (NM_172107.2) A N350I variant that is likely pathogenic has been identified in the KCNQ2 gene. The N350I variant has not been published as a mutation, nor has it been reported as a benign polymorphism to our knowledge. It was not observed in approximately 6,500 individuals of European and African American ancestry in the NHLBI Exome Sequencing Project, indicating it is not a common benign variant in these populations. The N350I variant is a non-conservative amino acid substitution, which is likely to impact secondary protein structure as these residues differ in polarity, charge, size and/or other properties. This substitution occurs at a position in the cytoplasmic topological domain that is conserved across species. In silico analysis predicts this variant is probably damaging to the protein structure/function. Missense mutations in nearby residues (R353G, T359K) have been reported in association with benign neonatal epilepsy, supporting the functional importance of this region of the protein. Therefore, this variant is a strong candidate for a pathogenic mutation, however the possibility that it is a benign variant cannot be excluded. The variant is found in INFANT-EPI panel(s).

NM_172107.4(KCNQ2):c.1049A>T (p.Asn350Ile)

Gene: KCNQ2 (potassium voltage-gated channel subfamily Q member 2; minus strand). Cytogenetic location: 20q13.33.
Variant type: single nucleotide variant.
Coding change: c.1049A>T on transcript NM_172107.4 (MANE Select); coding-DNA position 1049, A replaced by T.
Protein change: p.Asn350Ile; replaces asparagine 350 with isoleucine.
Molecular consequence: missense variant.
Genome position (GRCh38, 1-based): chr20:63,433,878, T>A on the plus strand (A>T on the coding strand, the complement: KCNQ2 is on the minus strand). VCF-style: chr20-63433878-T-A. GRCh37 (hg19) VCF-style: chr20-62065231-T-A.
Other names: p.N350I:AAC>ATC; c.1049A>T, p.Asn350Ile (NM_004518.6, NM_172106.3, NM_172108.5 and 1 more transcripts); short protein forms N350I.
Identifiers: ClinVar variation 205897 (VCV000205897.2), dbSNP rs772800738, ClinGen allele CA315428.